The following is an entry in ClinVar:

NM_014845.6(FIG4):c.1686A>G (p.Pro562=)

Gene: FIG4 (FIG4 phosphoinositide 5-phosphatase; plus strand). Cytogenetic location: 6q21.
Variant type: single nucleotide variant.
Coding change: c.1686A>G on transcript NM_014845.6 (MANE Select); coding-DNA position 1686, A replaced by G.
Protein change: p.Pro562=; no amino-acid change (proline 562 retained).
Molecular consequence: synonymous variant.
Genome position (GRCh38, 1-based): chr6:109,766,831, A>G. VCF-style: chr6-109766831-A-G. GRCh37 (hg19) VCF-style: chr6-110088034-A-G.
Identifiers: ClinVar variation 2178631 (VCV002178631.10), dbSNP rs1399206818, ClinGen allele CA451755425.

ClinVar aggregate classification (germline): Likely benign. Review status: criteria provided, multiple submitters, no conflicts (2 of 4 stars). 2 submissions from 2 submitters: Likely benign (2). Last evaluated 2025-11-01.

Conditions:
Charcot-Marie-Tooth disease type 4. Also called: Charcot-Marie-Tooth disease, type IV; Charcot-Marie-Tooth, Type 4. Identifiers: Orphanet 64749, MedGen C4082197, MONDO:0018995.

Allele frequency attached by ClinVar (database versions not stated): gnomAD exomes below 0.00001; gnomAD 0.00001; TOPMed 0.00001.
gnomAD v4.1: 6 of 1,613,998 alleles (0.00037%); highest among the groups gnomAD compares: South Asian, 0.0022%; no homozygotes.

Submissions (2):

CeGaT Center for Human Genetics Tuebingen
Classification: Likely benign. Last evaluated: 2025-11-01. Review status: criteria provided, single submitter. Criteria: CeGaT Center For Human Genetics Tuebingen Variant Classification Criteria Version 2. Collection method: clinical testing. Allele origin: germline. Affected: yes. Observed: 1 variant allele.
Comment: FIG4: BP4, BP7

Labcorp Genetics (formerly Invitae), Labcorp
Classification: Likely benign for Charcot-Marie-Tooth disease type 4. Last evaluated: 2022-06-21. Review status: criteria provided, single submitter. Criteria: Invitae Variant Classification Sherloc (09022015). Collection method: clinical testing. Allele origin: germline.